The following is an entry in ClinVar:

NM_001377.3(DYNC2H1):c.11697dup (p.Tyr3900fs)

Gene: DYNC2H1 (dynein cytoplasmic 2 heavy chain 1; plus strand). Cytogenetic location: 11q22.3.
Variant type: Duplication.
Coding change: c.11697dup on transcript NM_001377.3 (MANE Select); coding-DNA position 11697, one base duplicated (G; older notation c.11697dupG).
Protein change: p.Tyr3900fs; shifts the reading frame from tyrosine 3900.
Molecular consequence: frameshift variant.
Genome position (GRCh38, 1-based): chr11:103,316,592, G duplicated; the last of 3 consecutive G bases (chr11:103,316,590-103,316,592); duplicating any one gives the same sequence. VCF-style (leftmost placement, unchanged base first): chr11-103316589-T-TG. GRCh37 (hg19) VCF-style: chr11-103187318-T-TG.
Other names: c.11718dup, p.Tyr3907fs (NM_001080463.2); short protein forms Y3900fs, Y3907fs.
Identifiers: ClinVar variation 2694548 (VCV002694548.3), dbSNP rs2496922607, ClinGen allele CA2697548901.
Genomic context (GRCh38, chr11:103,316,589, plus strand): 5'-AATTGTTTTTTGACAGGGTTGGACAAAGTTTTATGAATTTTCTTTATCAGATCTTCGGGC[T>TG]GGGTACAACATTATTGACAGACTTTTTGATGGTAAGTTCTAACAAAAATTTTAATCTCAT-3'

ClinVar aggregate classification (germline): Pathogenic (1 of 4 stars; one submission).

Conditions:
Jeune thoracic dystrophy. Also called: Jeune syndrome; Infantile thoracic dystrophy; Thoracic pelvic phalangeal dystrophy; Jeune's syndrome; Chondroectodermal dysplasia-like syndrome; Short-rib thoracic dysplasia. Identifiers: Orphanet 474, MedGen C0265275, MONDO:0018770.

Submission:

Labcorp Genetics (formerly Invitae), Labcorp
Classification: Pathogenic for Jeune thoracic dystrophy. Last evaluated: 2023-11-17. Review status: criteria provided, single submitter. Criteria: Invitae Variant Classification Sherloc (09022015). Collection method: clinical testing. Allele origin: germline.
Comment: This sequence change creates a premature translational stop signal (p.Tyr3907Valfs*5) in the DYNC2H1 gene. It is expected to result in an absent or disrupted protein product. Loss-of-function variants in DYNC2H1 are known to be pathogenic (PMID: 23339108, 32753734, 33755199). This variant is not present in population databases (gnomAD no frequency). This variant has not been reported in the literature in individuals affected with DYNC2H1-related conditions. For these reasons, this variant has been classified as Pathogenic.

Literature cited by the submitters: PubMed 23339108; PubMed 32753734; PubMed 33755199.